The following is an entry in ClinVar:

NM_020223.4(FAM20C):c.1704C>T (p.Ser568=)

Gene: FAM20C (FAM20C golgi associated secretory pathway kinase; plus strand). Cytogenetic location: 7p22.3.
Variant type: single nucleotide variant.
Coding change: c.1704C>T on transcript NM_020223.4 (MANE Select); coding-DNA position 1704, C replaced by T.
Protein change: p.Ser568=; no amino-acid change (serine 568 retained).
Molecular consequence: synonymous variant.
Genome position (GRCh38, 1-based): chr7:259,929, C>T. VCF-style: chr7-259929-C-T. GRCh37 (hg19) VCF-style: chr7-299895-C-T.
Other names: c.1704C>T (NM_020223.3).
Identifiers: ClinVar variation 1653242 (VCV001653242.11), dbSNP rs371567802, ClinGen allele CA152289064.

ClinVar aggregate classification (germline): Likely benign. Review status: criteria provided, multiple submitters, no conflicts (2 of 4 stars). 3 submissions from 3 submitters: Likely benign (2). 1 of the submissions does not count toward it. Last evaluated 2023-03-16.

Conditions:
FAM20C-related disorder. Also called: FAM20C-related condition.

Allele frequency attached by ClinVar (database versions not stated): gnomAD exomes 0.00002; gnomAD 0.00009; 1000 Genomes Project 30x 0.00016; 1000 Genomes Project 0.00020; ESP Exome Variant Server 0.00022.
gnomAD v4.1: 37 of 1,532,556 alleles (0.0024%); highest among the groups gnomAD compares: African/African-American, 0.029%; no homozygotes.

Submissions (3):

Labcorp Genetics (formerly Invitae), Labcorp
Classification: Likely benign. Last evaluated: 2023-03-16. Review status: criteria provided, single submitter. Criteria: Invitae Variant Classification Sherloc (09022015). Collection method: clinical testing. Allele origin: germline.

Blueprint Genetics
Classification: Likely benign. Last evaluated: 2020-11-20. Review status: criteria provided, single submitter. Criteria: ACMG Guidelines, 2015. Collection method: clinical testing. Allele origin: germline.

PreventionGenetics, part of Exact Sciences
Classification: Likely benign for FAM20C-related condition. Last evaluated: 2022-03-08. Review status: no assertion criteria provided. Collection method: clinical testing. Allele origin: germline. Not counted in ClinVar's aggregate classification.
Comment: This variant is classified as likely benign based on ACMG/AMP sequence variant interpretation guidelines (Richards et al. 2015 PMID: 25741868, with internal and published modifications).